The following is an entry in ClinVar:

NM_001369.3(DNAH5):c.13775G>C (p.Arg4592Pro)

Gene: DNAH5 (dynein axonemal heavy chain 5; minus strand). Cytogenetic location: 5p15.2.
Variant type: single nucleotide variant.
Coding change: c.13775G>C on transcript NM_001369.3 (MANE Select); coding-DNA position 13775, G replaced by C.
Protein change: p.Arg4592Pro; replaces arginine 4592 with proline.
Molecular consequence: missense variant.
Genome position (GRCh38, 1-based): chr5:13,692,084, C>G on the plus strand (G>C on the coding strand, the complement: DNAH5 is on the minus strand). VCF-style: chr5-13692084-C-G. GRCh37 (hg19) VCF-style: chr5-13692193-C-G.
Other names: short protein forms R4592P.
Identifiers: ClinVar variation 1370366 (VCV001370366.8), dbSNP rs367709427, ClinGen allele CA359188682.

ClinVar aggregate classification (germline): Uncertain significance (1 of 4 stars; one submission).

Conditions:
Primary ciliary dyskinesia. Also called: Ciliary dyskinesia. Identifiers: Orphanet 244, MedGen C0008780, MONDO:0016575, HP:0012265.

gnomAD v4.1: 2 of 1,613,992 alleles (0.00012%); highest among the groups gnomAD compares: African/African-American, 0.0027%; no homozygotes.

Submission:

Labcorp Genetics (formerly Invitae), Labcorp
Classification: Uncertain significance for Primary ciliary dyskinesia. Last evaluated: 2024-10-14. Review status: criteria provided, single submitter. Criteria: Invitae Variant Classification Sherloc (09022015). Collection method: clinical testing. Allele origin: germline.
Comment: This sequence change replaces arginine, which is basic and polar, with proline, which is neutral and non-polar, at codon 4592 of the DNAH5 protein (p.Arg4592Pro). This variant is present in population databases (no rsID available, gnomAD 0.007%). This variant has not been reported in the literature in individuals affected with DNAH5-related conditions. ClinVar contains an entry for this variant (Variation ID: 1370366). Invitae Evidence Modeling of protein sequence and biophysical properties (such as structural, functional, and spatial information, amino acid conservation, physicochemical variation, residue mobility, and thermodynamic stability) has been performed for this missense variant. However, the output from this modeling did not meet the statistical confidence thresholds required to predict the impact of this variant on DNAH5 protein function. In summary, the available evidence is currently insufficient to determine the role of this variant in disease. Therefore, it has been classified as a Variant of Uncertain Significance.